The following is an entry in ClinVar:

ClinVar aggregate classification (germline): Conflicting classifications of pathogenicity. Review status: criteria provided, conflicting classifications (1 of 4 stars). 2 submissions from 2 submitters: Uncertain significance (1); Likely benign (1). Last evaluated 2024-10-03.

Conditions:
Inborn genetic diseases. Identifiers: MedGen C0950123, MeSH D030342.
KBG syndrome (KBGS). Also called: ANKRD11-Related KBG Syndrome. Identifiers: Orphanet 2332, MedGen C0220687, MONDO:0007846, OMIM 148050.

Allele frequency attached by ClinVar (database versions not stated): gnomAD exomes 0.00001 and 0.00002; TOPMed 0.00002; ExAC 0.00003; gnomAD 0.00003 and 0.00004.
gnomAD v4.1: 19 of 1,603,104 alleles (0.0012%); highest among the groups gnomAD compares: Middle Eastern, 0.017%; no homozygotes.

Submissions (2):

Ambry Genetics
Classification: Likely benign for Inborn genetic diseases. Last evaluated: 2024-10-03. Review status: criteria provided, single submitter. Criteria: Ambry Variant Classification Scheme 2023. Collection method: clinical testing. Allele origin: germline.

Labcorp Genetics (formerly Invitae), Labcorp
Classification: Uncertain significance for KBG syndrome. Last evaluated: 2023-04-03. Review status: criteria provided, single submitter. Criteria: Invitae Variant Classification Sherloc (09022015). Collection method: clinical testing. Allele origin: germline.
Comment: This variant has not been reported in the literature in individuals affected with ANKRD11-related conditions. This variant is present in population databases (rs780224924, gnomAD 0.007%). This sequence change replaces proline, which is neutral and non-polar, with leucine, which is neutral and non-polar, at codon 1909 of the ANKRD11 protein (p.Pro1909Leu). ClinVar contains an entry for this variant (Variation ID: 588123). In summary, the available evidence is currently insufficient to determine the role of this variant in disease. Therefore, it has been classified as a Variant of Uncertain Significance. Advanced modeling of protein sequence and biophysical properties (such as structural, functional, and spatial information, amino acid conservation, physicochemical variation, residue mobility, and thermodynamic stability) performed at Invitae indicates that this missense variant is not expected to disrupt ANKRD11 protein function.

NM_013275.6(ANKRD11):c.5726C>T (p.Pro1909Leu)

Gene: ANKRD11 (ankyrin repeat domain 11; minus strand). Cytogenetic location: 16q24.3.
Variant type: single nucleotide variant.
Coding change: c.5726C>T on transcript NM_013275.6 (MANE Select); coding-DNA position 5726, C replaced by T.
Protein change: p.Pro1909Leu; replaces proline 1909 with leucine.
Molecular consequence: missense variant.
Genome position (GRCh38, 1-based): chr16:89,280,816, G>A on the plus strand (C>T on the coding strand, the complement: ANKRD11 is on the minus strand). VCF-style: chr16-89280816-G-A. GRCh37 (hg19) VCF-style: chr16-89347224-G-A.
Other names: c.5726C>T, p.Pro1909Leu (NM_001256182.2, NM_001256183.2); short protein forms P1909L.
Identifiers: ClinVar variation 588123 (VCV000588123.9), dbSNP rs780224924, ClinGen allele CA8241743.